The following is an entry in ClinVar:

NM_001397406.1(FDX2):c.443G>A (p.Arg148Gln)

Genes: FDX2 (ferredoxin 2; minus strand), FDX2-ZGLP1 (FDX2-ZGLP1 readthrough (NMD candidate); minus strand). Cytogenetic location: 19p13.2.
Variant type: single nucleotide variant.
Coding change: c.443G>A on transcript NM_001397406.1 (MANE Select); coding-DNA position 443, G replaced by A.
Protein change: p.Arg148Gln; replaces arginine 148 with glutamine.
Molecular consequence: missense variant.
Genome position (GRCh38, 1-based): chr19:10,310,595, C>T on the plus strand (G>A on the coding strand, the complement: FDX2 is on the minus strand). VCF-style: chr19-10310595-C-T. GRCh37 (hg19) VCF-style: chr19-10421271-C-T.
Other names: c.452G>A, p.Arg151Gln (NM_001031734.4); short protein forms R148Q, R151Q.
Identifiers: ClinVar variation 1990019 (VCV001990019.4), dbSNP rs765480349, ClinGen allele CA9191190.

ClinVar aggregate classification (germline): Uncertain significance (1 of 4 stars; one submission).

Allele frequency attached by ClinVar (database versions not stated): ExAC 0.00001; gnomAD exomes 0.00001; TOPMed 0.00002.
gnomAD v4.1: 10 of 1,613,642 alleles (0.00062%); highest among the groups gnomAD compares: Admixed American, 0.0083%; no homozygotes.

Submission:

Labcorp Genetics (formerly Invitae), Labcorp
Classification: Uncertain significance. Last evaluated: 2022-07-25. Review status: criteria provided, single submitter. Criteria: Invitae Variant Classification Sherloc (09022015). Collection method: clinical testing. Allele origin: germline.
Comment: In summary, the available evidence is currently insufficient to determine the role of this variant in disease. Therefore, it has been classified as a Variant of Uncertain Significance. Algorithms developed to predict the effect of missense changes on protein structure and function are either unavailable or do not agree on the potential impact of this missense change (SIFT: "Deleterious"; PolyPhen-2: "Not Available"; Align-GVGD: "Class C35"). This variant has not been reported in the literature in individuals affected with FDX2-related conditions. This variant is present in population databases (rs765480349, gnomAD 0.01%). This sequence change replaces arginine, which is basic and polar, with glutamine, which is neutral and polar, at codon 151 of the FDX2 protein (p.Arg151Gln).